The following is an entry in ClinVar:

NM_015559.3(SETBP1):c.4398G>C (p.Glu1466Asp)

Gene: SETBP1 (SET binding protein 1; plus strand). Cytogenetic location: 18q12.3.
Variant type: single nucleotide variant.
Coding change: c.4398G>C on transcript NM_015559.3 (MANE Select); coding-DNA position 4398, G replaced by C.
Protein change: p.Glu1466Asp; replaces glutamic acid 1466 with aspartic acid.
Molecular consequence: missense variant.
Genome position (GRCh38, 1-based): chr18:45,063,305, G>C. VCF-style: chr18-45063305-G-C. GRCh37 (hg19) VCF-style: chr18-42643270-G-C.
Other names: c.4398G>C, p.Glu1466Asp (NM_001379141.1, NM_001379142.1); c.4227G>C, p.Glu1409Asp (NM_001410862.1); short protein forms E1409D, E1466D.
Identifiers: ClinVar variation 2760875 (VCV002760875.3), dbSNP rs117498128, ClinGen allele CA402483318.
Genomic context (GRCh38, chr18:45,063,305, plus strand): 5'-CAACAACTTCGTGAAGAAGAGGCGCGGGCGTCCCAGGAAGCAGCCCACCCAGTTCGATGA[G>C]GACTCCAGAGACCAAATGCCGGTGCTGGAAAAATGCATCGACCTGCCCAGCAAAAGAGGC-3'
Protein context (NP_056374.2, residues 1456-1476): RPRKQPTQFD[Glu1466Asp]DSRDQMPVLE

ClinVar aggregate classification (germline): Uncertain significance (1 of 4 stars; one submission).

Submission:

Labcorp Genetics (formerly Invitae), Labcorp
Classification: Uncertain significance. Last evaluated: 2023-09-15. Review status: criteria provided, single submitter. Criteria: Invitae Variant Classification Sherloc (09022015). Collection method: clinical testing. Allele origin: germline.
Comment: This variant is not present in population databases (gnomAD no frequency). This missense change has been observed in individual(s) with developmental delay (PMID: 21037274). Advanced modeling of protein sequence and biophysical properties (such as structural, functional, and spatial information, amino acid conservation, physicochemical variation, residue mobility, and thermodynamic stability) performed at Invitae indicates that this missense variant is not expected to disrupt SETBP1 protein function. In summary, the available evidence is currently insufficient to determine the role of this variant in disease. Therefore, it has been classified as a Variant of Uncertain Significance. This sequence change replaces glutamic acid, which is acidic and polar, with aspartic acid, which is acidic and polar, at codon 1466 of the SETBP1 protein (p.Glu1466Asp).

Literature cited by the submitters: PubMed 21037274.